The following is an entry in ClinVar:

ClinVar aggregate classification (germline): Uncertain significance (1 of 4 stars; one submission).

gnomAD v4.1: 68 of 1,341,648 alleles (0.0051%); highest among the groups gnomAD compares: Admixed American, 0.018%; no homozygotes.

Submission:

Labcorp Genetics (formerly Invitae), Labcorp
Classification: Uncertain significance. Last evaluated: 2025-09-05. Review status: criteria provided, single submitter. Criteria: Invitae Variant Classification Sherloc (09022015). Collection method: clinical testing. Allele origin: germline.
Comment: This sequence change replaces glycine, which is neutral and non-polar, with arginine, which is basic and polar, at codon 101 of the SIRT1 protein (p.Gly101Arg). This variant is present in population databases (no rsID available, gnomAD 0.008%). This variant has not been reported in the literature in individuals affected with SIRT1-related conditions. ClinVar contains an entry for this variant (Variation ID: 3709916). An algorithm developed to predict the effect of missense changes on protein structure and function (PolyPhen-2) suggests that this variant is likely to be disruptive. In summary, the available evidence is currently insufficient to determine the role of this variant in disease. Therefore, it has been classified as a Variant of Uncertain Significance.

NM_012238.5(SIRT1):c.301G>A (p.Gly101Arg)

Genes: SIRT1 (sirtuin 1; plus strand), LOC107832851 (SIRT1 promoter region; plus strand). Cytogenetic location: 10q21.3.
Variant type: single nucleotide variant.
Coding change: c.301G>A on transcript NM_012238.5 (MANE Select); coding-DNA position 301, G replaced by A.
Protein change: p.Gly101Arg; replaces glycine 101 with arginine.
Molecular consequence: missense variant.
Genome position (GRCh38, 1-based): chr10:67,885,022, G>A. VCF-style: chr10-67885022-G-A. GRCh37 (hg19) VCF-style: chr10-69644780-G-A.
Other names: short protein forms G101R.
Identifiers: ClinVar variation 3709916 (VCV003709916.2).